The following is an entry in ClinVar:

NM_020937.4(FANCM):c.2243A>C (p.Gln748Pro)

Gene: FANCM (FA complementation group M; plus strand). Cytogenetic location: 14q21.2.
Variant type: single nucleotide variant.
Coding change: c.2243A>C on transcript NM_020937.4 (MANE Select); coding-DNA position 2243, A replaced by C.
Protein change: p.Gln748Pro; replaces glutamine 748 with proline.
Molecular consequence: missense variant.
Genome position (GRCh38, 1-based): chr14:45,173,137, A>C. VCF-style: chr14-45173137-A-C. GRCh37 (hg19) VCF-style: chr14-45642340-A-C.
Other names: c.2165A>C, p.Gln722Pro (NM_001308133.2); short protein forms Q722P, Q748P.
Identifiers: ClinVar variation 3848721 (VCV003848721.1).

ClinVar aggregate classification (germline): Uncertain significance (1 of 4 stars; one submission).

Conditions:
Inborn genetic diseases. Identifiers: MedGen C0950123, MeSH D030342.

Submission:

Ambry Genetics
Classification: Uncertain significance for Inborn genetic diseases. Last evaluated: 2025-02-10. Review status: criteria provided, single submitter. Criteria: Ambry Variant Classification Scheme 2023. Collection method: clinical testing. Allele origin: germline.
Comment: The p.Q748P variant (also known as c.2243A>C), located in coding exon 13 of the FANCM gene, results from an A to C substitution at nucleotide position 2243. The glutamine at codon 748 is replaced by proline, an amino acid with similar properties. This amino acid position is conserved. In addition, this alteration is predicted to be tolerated by in silico analysis. Based on the available evidence, the clinical significance of this variant remains unclear.